The following is an entry in ClinVar:

ClinVar aggregate classification (germline): Conflicting classifications of pathogenicity. Review status: criteria provided, conflicting classifications (1 of 4 stars). 4 submissions from 4 submitters: Uncertain significance (1); Likely benign (3). Last evaluated 2026-06-04.

Conditions:
SETX-related disorder. Also called: SETX-related disorders; SETX-related condition. Identifiers: MedGen CN239403.
Amyotrophic lateral sclerosis type 4 (ALS4). Also called: AMYOTROPHIC LATERAL SCLEROSIS 4, JUVENILE; NEURONOPATHY, DISTAL HEREDITARY MOTOR, WITH PYRAMIDAL FEATURES. Identifiers: Orphanet 357043, MedGen C1865409, MONDO:0011223, OMIM 602433.
Spinocerebellar ataxia, autosomal recessive, with axonal neuropathy 2 (SCAN2). Also called: ATAXIA-OCULOMOTOR APRAXIA 2; Ataxia with Oculomotor Apraxia; Ataxia with Oculomotor Apraxia Type 2; Ataxia-ocular apraxia-2. Identifiers: Orphanet 64753, MedGen C1853761, MONDO:0018996, OMIM 606002.

Allele frequency attached by ClinVar (database versions not stated): ESP Exome Variant Server 0.00008; TOPMed 0.00008; gnomAD 0.00009 and 0.00011; gnomAD exomes 0.00010 and 0.00016; ExAC 0.00021.
gnomAD v4.1: 151 of 1,613,942 alleles (0.0094%); highest among the groups gnomAD compares: Non-Finnish European, 0.011%; no homozygotes.

Submissions (4):

PreventionGenetics, part of Exact Sciences
Classification: Likely benign for SETX-related condition. Last evaluated: 2026-06-04. Review status: criteria provided, single submitter. Criteria: ACMG Guidelines, 2015. Collection method: clinical testing. Allele origin: germline.
Comment: This variant is classified as likely benign based on ACMG/AMP sequence variant interpretation guidelines (Richards et al. 2015 PMID: 25741868, with internal and published modifications).

Labcorp Genetics (formerly Invitae), Labcorp
Classification: Likely benign for Amyotrophic lateral sclerosis type 4; Spinocerebellar ataxia, autosomal recessive, with axonal neuropathy 2. Last evaluated: 2026-01-19. Review status: criteria provided, single submitter. Criteria: Invitae Variant Classification Sherloc (09022015). Collection method: clinical testing. Allele origin: germline.

Mayo Clinic Laboratories, Mayo Clinic
Classification: Likely benign. Last evaluated: 2025-03-12. Review status: criteria provided, single submitter. Criteria: ACMG Guidelines, 2015. Collection method: clinical testing. Allele origin: germline. Observed: 2 variant alleles.
Comment: BP4, BP7

CeGaT Center for Human Genetics Tuebingen
Classification: Uncertain significance. Last evaluated: 2018-05-01. Review status: criteria provided, single submitter. Criteria: CeGaT Center For Human Genetics Tuebingen Variant Classification Criteria Version 2. Collection method: clinical testing. Allele origin: germline. Affected: yes. Observed: 2 variant alleles.

NM_015046.7(SETX):c.7092T>C (p.Asp2364=)

Gene: SETX (senataxin; minus strand). Cytogenetic location: 9q34.13.
Variant type: single nucleotide variant.
Coding change: c.7092T>C on transcript NM_015046.7 (MANE Select); coding-DNA position 7092, T replaced by C.
Protein change: p.Asp2364=; no amino-acid change (aspartic acid 2364 retained).
Molecular consequence: synonymous variant.
Genome position (GRCh38, 1-based): chr9:132,275,264, A>G on the plus strand (T>C on the coding strand, the complement: SETX is on the minus strand). VCF-style: chr9-132275264-A-G. GRCh37 (hg19) VCF-style: chr9-135150651-A-G.
Other names: p.Asp2364=; c.7092T>C, p.Asp2364= (NM_001351527.2, NM_001351528.2).
Identifiers: ClinVar variation 705084 (VCV000705084.52), dbSNP rs144607919, ClinGen allele CA5296521.